The following is an entry in ClinVar:

ClinVar aggregate classification (germline): Uncertain significance (1 of 4 stars; one submission).

Allele frequency attached by ClinVar (database versions not stated): gnomAD 0.00001; gnomAD exomes 0.00001.
gnomAD v4.1: 16 of 1,606,820 alleles (0.001%); highest among the groups gnomAD compares: Non-Finnish European, 0.0014%; no homozygotes.

Submission:

Labcorp Genetics (formerly Invitae), Labcorp
Classification: Uncertain significance. Last evaluated: 2022-10-04. Review status: criteria provided, single submitter. Criteria: Invitae Variant Classification Sherloc (09022015). Collection method: clinical testing. Allele origin: germline.
Comment: This sequence change replaces proline, which is neutral and non-polar, with serine, which is neutral and polar, at codon 1186 of the ADAMTS18 protein (p.Pro1186Ser). In summary, the available evidence is currently insufficient to determine the role of this variant in disease. Therefore, it has been classified as a Variant of Uncertain Significance. Algorithms developed to predict the effect of missense changes on protein structure and function are either unavailable or do not agree on the potential impact of this missense change (SIFT: "Not Available"; PolyPhen-2: "Benign"; Align-GVGD: "Not Available"). This variant has not been reported in the literature in individuals affected with ADAMTS18-related conditions. This variant is present in population databases (rs267604643, gnomAD 0.0009%).

NM_199355.4(ADAMTS18):c.3556C>T (p.Pro1186Ser)

Gene: ADAMTS18 (ADAM metallopeptidase with thrombospondin type 1 motif 18; minus strand). Cytogenetic location: 16q23.1.
Variant type: single nucleotide variant.
Coding change: c.3556C>T on transcript NM_199355.4 (MANE Select); coding-DNA position 3556, C replaced by T.
Protein change: p.Pro1186Ser; replaces proline 1186 with serine.
Molecular consequence: missense variant.
Genome position (GRCh38, 1-based): chr16:77,284,066, G>A on the plus strand (C>T on the coding strand, the complement: ADAMTS18 is on the minus strand). VCF-style: chr16-77284066-G-A. GRCh37 (hg19) VCF-style: chr16-77317963-G-A.
Other names: c.3040C>T, p.Pro1014Ser (NM_001326358.2); short protein forms P1186S, P1014S.
Identifiers: ClinVar variation 2418623 (VCV002418623.5), dbSNP rs267604643, ClinGen allele CA284413802.